The following is an entry in ClinVar:

NM_000038.6(APC):c.4810C>T (p.Pro1604Ser)

Gene: APC (APC regulator of Wnt signaling pathway; plus strand). Cytogenetic location: 5q22.2.
Variant type: single nucleotide variant.
Coding change: c.4810C>T on transcript NM_000038.6 (MANE Select); coding-DNA position 4810, C replaced by T.
Protein change: p.Pro1604Ser; replaces proline 1604 with serine.
Molecular consequence: missense variant.
Genome position (GRCh38, 1-based): chr5:112,840,404, C>T. VCF-style: chr5-112840404-C-T. GRCh37 (hg19) VCF-style: chr5-112176101-C-T.
Other names: c.4810C>T, p.Pro1604Ser (NM_001127510.3, NM_001354895.2); c.4756C>T, p.Pro1586Ser (NM_001127511.3); c.4864C>T, p.Pro1622Ser (NM_001354896.2); c.4840C>T, p.Pro1614Ser (NM_001354897.2); c.4735C>T, p.Pro1579Ser (NM_001354898.2); c.4726C>T, p.Pro1576Ser (NM_001354899.2); c.4687C>T, p.Pro1563Ser (NM_001354900.2); c.4633C>T, p.Pro1545Ser (NM_001354901.2); and 5 more; short protein forms P1604S, P1586S, P1478S, P1614S, P1545S, P1563S, P1321S, P1503S.
Identifiers: ClinVar variation 482521 (VCV000482521.16), dbSNP rs1017844073, ClinGen allele CA16031873.

ClinVar aggregate classification (germline): Uncertain significance. Review status: criteria provided, multiple submitters, no conflicts (2 of 4 stars). 3 submissions from 3 submitters: Uncertain significance (3). Last evaluated 2025-12-28.

Conditions:
Familial adenomatous polyposis 1 (FAP1). Also called: FAMILIAL ADENOMATOUS POLYPOSIS 1, ATTENUATED; POLYPOSIS, ADENOMATOUS INTESTINAL. Identifiers: MedGen C2713442, MONDO:0021056, OMIM 175100. Disease mechanism: loss of function.
Hereditary cancer-predisposing syndrome. Also called: Neoplastic Syndromes, Hereditary; Tumor predisposition; Hereditary Cancer Syndrome; Hereditary neoplastic syndrome. Identifiers: Orphanet 140162, MedGen C0027672, MeSH D009386, MONDO:0015356.

Allele frequency attached by ClinVar (database versions not stated): gnomAD exomes below 0.00001.
gnomAD v4.1: 1 of 1,614,196 alleles (0.000062%); highest among the groups gnomAD compares: Non-Finnish European, 0.000085%; no homozygotes.

Submissions (3):

Labcorp Genetics (formerly Invitae), Labcorp
Classification: Uncertain significance for Familial adenomatous polyposis 1. Last evaluated: 2025-12-28. Review status: criteria provided, single submitter. Criteria: Invitae Variant Classification Sherloc (09022015). Collection method: clinical testing. Allele origin: germline.
Comment: This sequence change replaces proline, which is neutral and non-polar, with serine, which is neutral and polar, at codon 1604 of the APC protein (p.Pro1604Ser). This variant is not present in population databases (gnomAD no frequency). This variant has not been reported in the literature in individuals affected with APC-related conditions. ClinVar contains an entry for this variant (Variation ID: 482521). Invitae Evidence Modeling of protein sequence and biophysical properties (such as structural, functional, and spatial information, amino acid conservation, physicochemical variation, residue mobility, and thermodynamic stability) indicates that this missense variant is not expected to disrupt APC protein function with a negative predictive value of 95%. In summary, the available evidence is currently insufficient to determine the role of this variant in disease. Therefore, it has been classified as a Variant of Uncertain Significance.

Color Diagnostics, LLC DBA Color Health
Classification: Uncertain significance for Hereditary cancer-predisposing syndrome. Last evaluated: 2025-11-18. Review status: criteria provided, single submitter. Criteria: ACMG Guidelines, 2015. Collection method: clinical testing. Allele origin: germline.
Comment: This missense variant replaces proline with serine at codon 1604 of the APC protein. Computational prediction suggests that this variant may not impact protein structure and function. APC is defined as a gene for which primarily truncating variants are known to cause disease (ClinGen HCCP VCEP). To our knowledge, functional studies have not been reported for this variant. This variant has not been reported in individuals affected with APC-related disorders in the literature. This variant has been identified in 1/1614196 chromosomes in the general population by the Genome Aggregation Database (gnomAD). The available evidence is insufficient to determine the role of this variant in disease conclusively. Therefore, this variant is classified as a Variant of Uncertain Significance.

Ambry Genetics
Classification: Uncertain significance for Hereditary cancer-predisposing syndrome. Last evaluated: 2017-09-18. Review status: criteria provided, single submitter. Criteria: Ambry Variant Classification Scheme 2023. Collection method: clinical testing. Allele origin: germline.
Comment: The p.P1604S variant (also known as c.4810C>T), located in coding exon 15 of the APC gene, results from a C to T substitution at nucleotide position 4810. The proline at codon 1604 is replaced by serine, an amino acid with similar properties. This amino acid position is highly conserved in available vertebrate species. In addition, in silico predictors for this gene do not accurately predict pathogenicity. Since supporting evidence is limited at this time, the clinical significance of this alteration remains unclear.